The following is an entry in ClinVar:

NM_000135.4(FANCA):c.95G>C (p.Arg32Thr)

Gene: FANCA (FA complementation group A; minus strand). Cytogenetic location: 16q24.3.
Variant type: single nucleotide variant.
Coding change: c.95G>C on transcript NM_000135.4 (MANE Select); coding-DNA position 95, G replaced by C.
Protein change: p.Arg32Thr; replaces arginine 32 with threonine.
Molecular consequence: missense variant.
Genome position (GRCh38, 1-based): chr16:89,815,971, C>G on the plus strand (G>C on the coding strand, the complement: FANCA is on the minus strand). VCF-style: chr16-89815971-C-G. GRCh37 (hg19) VCF-style: chr16-89882379-C-G.
Other names: c.95G>C, p.Arg32Thr (NM_001018112.3, NM_001286167.3, NM_001351830.2); c.95G>C (LRG_495t1); short protein forms R32T.
Identifiers: ClinVar variation 456145 (VCV000456145.12), dbSNP rs770984577, ClinGen allele CA8253176.

ClinVar aggregate classification (germline): Uncertain significance. Review status: criteria provided, multiple submitters, no conflicts (2 of 4 stars). 3 submissions from 3 submitters: Uncertain significance (2). 1 of the submissions does not count toward it. Last evaluated 2024-12-25.

Conditions:
Inborn genetic diseases. Identifiers: MedGen C0950123, MeSH D030342.
Fanconi anemia (FA). Also called: Fanconi's anemia. Identifiers: Orphanet 84, MedGen C0015625, MeSH D005199, MONDO:0019391.

Allele frequency attached by ClinVar (database versions not stated): TOPMed below 0.00001; gnomAD 0.00001.
gnomAD v4.1: 20 of 1,613,622 alleles (0.0012%); highest among the groups gnomAD compares: Non-Finnish European, 0.0016%; no homozygotes.

Submissions (3):

Ambry Genetics
Classification: Uncertain significance for Inborn genetic diseases. Last evaluated: 2024-12-25. Review status: criteria provided, single submitter. Criteria: Ambry Variant Classification Scheme 2023. Collection method: clinical testing. Allele origin: germline.
Comment: The p.R32T variant (also known as c.95G>C), located in coding exon 2 of the FANCA gene, results from a G to C substitution at nucleotide position 95. The arginine at codon 32 is replaced by threonine, an amino acid with similar properties. This amino acid position is conserved. In addition, this alteration is predicted to be tolerated by in silico analysis. Based on the available evidence, the clinical significance of this variant remains unclear.

Labcorp Genetics (formerly Invitae), Labcorp
Classification: Uncertain significance for Fanconi anemia. Last evaluated: 2021-01-29. Review status: criteria provided, single submitter. Criteria: Invitae Variant Classification Sherloc (09022015). Collection method: clinical testing. Allele origin: germline.
Comment: In summary, this variant is a rare missense change with uncertain impact on protein function. There is no indication that it causes disease, but the available evidence is currently insufficient to prove that conclusively. Therefore, it has been classified as a Variant of Uncertain Significance. Algorithms developed to predict the effect of missense changes on protein structure and function do not agree on the potential impact of this missense change (SIFT: "Deleterious"; PolyPhen-2: "Benign"; Align-GVGD: "Class C0"). This variant is present in population databases (rs770984577, ExAC 0.002%) but has not been reported in the literature in individuals with a FANCA-related disease. This sequence change replaces arginine with threonine at codon 32 of the FANCA protein (p.Arg32Thr). The arginine residue is weakly conserved and there is a moderate physicochemical difference between arginine and threonine.

Natera, Inc.
Classification: Uncertain significance for Fanconi anemia. Last evaluated: 2019-10-28. Review status: no assertion criteria provided. Collection method: clinical testing. Allele origin: germline. Not counted in ClinVar's aggregate classification.